The following is an entry in ClinVar:

ClinVar aggregate classification (germline): Uncertain significance (1 of 4 stars; one submission).

Conditions:
Tumor predisposition syndrome 3 (TPDS3). Also called: Melanoma, cutaneous malignant, susceptibility to, 10; Glioma susceptibility 9; LONG TELOMERE SYNDROME, POT1-RELATED; POT1 Tumor Predisposition. Identifiers: Orphanet 618, MedGen C4014476, MONDO:0014368, OMIM 615848.

Submission:

Labcorp Genetics (formerly Invitae), Labcorp
Classification: Uncertain significance for Tumor predisposition syndrome 3. Last evaluated: 2025-05-28. Review status: criteria provided, single submitter. Criteria: Invitae Variant Classification Sherloc (09022015). Collection method: clinical testing. Allele origin: germline.
Comment: This sequence change replaces histidine, which is basic and polar, with proline, which is neutral and non-polar, at codon 211 of the POT1 protein (p.His211Pro). This variant is not present in population databases (gnomAD no frequency). This variant has not been reported in the literature in individuals affected with POT1-related conditions. Invitae Evidence Modeling of protein sequence and biophysical properties (such as structural, functional, and spatial information, amino acid conservation, physicochemical variation, residue mobility, and thermodynamic stability) indicates that this missense variant is not expected to disrupt POT1 protein function with a negative predictive value of 80%. In summary, the available evidence is currently insufficient to determine the role of this variant in disease. Therefore, it has been classified as a Variant of Uncertain Significance.

NM_015450.3(POT1):c.632A>C (p.His211Pro)

Gene: POT1 (protection of telomeres 1; minus strand). Cytogenetic location: 7q31.33.
Variant type: single nucleotide variant.
Coding change: c.632A>C on transcript NM_015450.3 (MANE Select); coding-DNA position 632, A replaced by C.
Protein change: p.His211Pro; replaces histidine 211 with proline.
Molecular consequence: missense variant. On other transcripts: non-coding transcript variant (3).
Genome position (GRCh38, 1-based): chr7:124,859,027, T>G on the plus strand (A>C on the coding strand, the complement: POT1 is on the minus strand). VCF-style: chr7-124859027-T-G. GRCh37 (hg19) VCF-style: chr7-124499081-T-G.
Other names: c.239A>C, p.His80Pro (NM_001042594.2); short protein forms H211P, H80P.
Identifiers: ClinVar variation 4717983 (VCV004717983.1).